The following is an entry in ClinVar:

NM_020461.4(TUBGCP6):c.1342C>T (p.Leu448Phe)

Gene: TUBGCP6 (tubulin gamma complex component 6; minus strand). Cytogenetic location: 22q13.33.
Variant type: single nucleotide variant.
Coding change: c.1342C>T on transcript NM_020461.4 (MANE Select); coding-DNA position 1342, C replaced by T.
Protein change: p.Leu448Phe; replaces leucine 448 with phenylalanine.
Molecular consequence: missense variant.
Genome position (GRCh38, 1-based): chr22:50,227,977, G>A on the plus strand (C>T on the coding strand, the complement: TUBGCP6 is on the minus strand). VCF-style: chr22-50227977-G-A. GRCh37 (hg19) VCF-style: chr22-50666406-G-A.
Other names: short protein forms L448F.
Identifiers: ClinVar variation 1477062 (VCV001477062.8), dbSNP rs2064637457, ClinGen allele CA412108089.

ClinVar aggregate classification (germline): Uncertain significance (1 of 4 stars; one submission).

Allele frequency attached by ClinVar (database versions not stated): gnomAD exomes below 0.00001.
gnomAD v4.1: 1 of 1,571,750 alleles (0.000064%); highest among the groups gnomAD compares: Middle Eastern, 0.017%; no homozygotes.

Submission:

Labcorp Genetics (formerly Invitae), Labcorp
Classification: Uncertain significance. Last evaluated: 2022-07-05. Review status: criteria provided, single submitter. Criteria: Invitae Variant Classification Sherloc (09022015). Collection method: clinical testing. Allele origin: germline.
Comment: In summary, the available evidence is currently insufficient to determine the role of this variant in disease. Therefore, it has been classified as a Variant of Uncertain Significance. Algorithms developed to predict the effect of missense changes on protein structure and function are either unavailable or do not agree on the potential impact of this missense change (SIFT: "Deleterious"; PolyPhen-2: "Probably Damaging"; Align-GVGD: "Class C0"). ClinVar contains an entry for this variant (Variation ID: 1477062). This variant has not been reported in the literature in individuals affected with TUBGCP6-related conditions. This variant is not present in population databases (gnomAD no frequency). This sequence change replaces leucine, which is neutral and non-polar, with phenylalanine, which is neutral and non-polar, at codon 448 of the TUBGCP6 protein (p.Leu448Phe).